The following is an entry in ClinVar:

ClinVar aggregate classification (germline): Conflicting classifications of pathogenicity. Review status: criteria provided, conflicting classifications (1 of 4 stars). 5 submissions from 5 submitters: Uncertain significance (4); Likely benign (1). Last evaluated 2026-03-18.

Conditions:
Cardiovascular phenotype. Identifiers: MedGen CN230736.
Autosomal recessive limb-girdle muscular dystrophy type 2J (LGMDR10). Also called: Limb-girdle muscular dystrophy, type 2J; MUSCULAR DYSTROPHY, LIMB-GIRDLE, AUTOSOMAL RECESSIVE 10. Identifiers: Orphanet 140922, MedGen C1837342, MONDO:0012127, OMIM 608807.
Dilated cardiomyopathy 1G (CMD1G). Identifiers: Orphanet 154, MedGen C1858763, MONDO:0011400, OMIM 604145.
TTN-related disorder. Also called: TTN-related condition; TTN-related disease; TTN-related disorders.

Allele frequency attached by ClinVar (database versions not stated): gnomAD exomes 0.00003 and 0.00006; gnomAD 0.00005 and 0.00006; TOPMed 0.00005; ExAC 0.00006; ESP Exome Variant Server 0.00017.
gnomAD v4.1: 60 of 1,613,238 alleles (0.0037%); highest among the groups gnomAD compares: African/African-American, 0.0067%; no homozygotes.

Submissions (5):

PreventionGenetics, part of Exact Sciences
Classification: Uncertain significance for TTN-related condition. Last evaluated: 2026-03-18. Review status: criteria provided, single submitter. Criteria: ACMG Guidelines, 2015. Collection method: clinical testing. Allele origin: germline.
Comment: The TTN c.56911G>A variant is predicted to result in the amino acid substitution p.Val18971Met. To our knowledge, this variant has not been reported in the literature. This variant is reported in 0.0083% of alleles in individuals of African descent in gnomAD. At this time, the clinical significance of this variant is uncertain due to the absence of conclusive functional and genetic evidence.

Revvity Omics, Revvity
Classification: Uncertain significance. Last evaluated: 2025-08-05. Review status: criteria provided, single submitter. Criteria: ACMG Guidelines, 2015. Collection method: clinical testing. Allele origin: germline.

GeneDx
Classification: Likely benign. Last evaluated: 2020-11-19. Review status: criteria provided, single submitter. Criteria: GeneDx Variant Classification Process June 2021. Collection method: clinical testing. Allele origin: germline. Affected: yes.

Ambry Genetics
Classification: Uncertain significance for Cardiovascular phenotype. Last evaluated: 2019-05-03. Review status: criteria provided, single submitter. Criteria: Ambry Variant Classification Scheme 2023. Collection method: clinical testing. Allele origin: germline.
Comment: The p.V9906M variant (also known as c.29716G>A), located in coding exon 118 of the TTN gene, results from a G to A substitution at nucleotide position 29716. The valine at codon 9906 is replaced by methionine, an amino acid with highly similar properties. This amino acid position is not well conserved in available vertebrate species. In addition, this alteration is predicted to be tolerated by in silico analysis. Since supporting evidence is limited at this time, the clinical significance of this alteration remains unclear.

Labcorp Genetics (formerly Invitae), Labcorp
Classification: Uncertain significance for Dilated cardiomyopathy 1G; Autosomal recessive limb-girdle muscular dystrophy type 2J. Last evaluated: 2017-04-28. Review status: criteria provided, single submitter. Criteria: Invitae Variant Classification Sherloc (09022015). Collection method: clinical testing. Allele origin: germline.

NM_001267550.2(TTN):c.56911G>A (p.Val18971Met)

Genes: TTN (titin; minus strand), TTN-AS1 (TTN antisense RNA 1; plus strand). Cytogenetic location: 2q31.2.
Variant type: single nucleotide variant.
Coding change: c.56911G>A on transcript NM_001267550.2 (MANE Select); coding-DNA position 56911, G replaced by A.
Protein change: p.Val18971Met; replaces valine 18971 with methionine.
Molecular consequence: missense variant.
Genome position (GRCh38, 1-based): chr2:178,598,799, C>T on the plus strand (G>A on the coding strand, the complement: TTN is on the minus strand). VCF-style: chr2-178598799-C-T. GRCh37 (hg19) VCF-style: chr2-179463526-C-T.
Other names: c.51988G>A, p.Val17330Met (NM_001256850.1); c.29716G>A, p.Val9906Met (NM_003319.4); c.49207G>A, p.Val16403Met (NM_133378.4); c.30091G>A, p.Val10031Met (NM_133432.3); c.30292G>A, p.Val10098Met (NM_133437.4); short protein forms V18971M, V10031M, V16403M, V17330M, V9906M, V10098M.
Identifiers: ClinVar variation 467294 (VCV000467294.11), dbSNP rs373153121, ClinGen allele CA1993160.